The following is an entry in ClinVar:

NM_001563.4(IMPG1):c.1995C>G (p.Ala665=)

Gene: IMPG1 (interphotoreceptor matrix proteoglycan 1; minus strand). Cytogenetic location: 6q14.1.
Variant type: single nucleotide variant.
Coding change: c.1995C>G on transcript NM_001563.4 (MANE Select); coding-DNA position 1995, C replaced by G.
Protein change: p.Ala665=; no amino-acid change (alanine 665 retained).
Molecular consequence: synonymous variant.
Genome position (GRCh38, 1-based): chr6:75,947,363, G>C on the plus strand (C>G on the coding strand, the complement: IMPG1 is on the minus strand). VCF-style: chr6-75947363-G-C. GRCh37 (hg19) VCF-style: chr6-76657080-G-C.
Other names: c.1995C>G (NM_001563.3); c.1761C>G, p.Ala587= (NM_001282368.2).
Identifiers: ClinVar variation 1637183 (VCV001637183.9), dbSNP rs774647095, ClinGen allele CA3897983.

ClinVar aggregate classification (germline): Likely benign. Review status: criteria provided, multiple submitters, no conflicts (2 of 4 stars). 2 submissions from 2 submitters: Likely benign (2). Last evaluated 2026-02-26.

Conditions:
IMPG1-related disorder. Also called: IMPG1-related condition.

Allele frequency attached by ClinVar (database versions not stated): TOPMed 0.00002; gnomAD 0.00003; ExAC 0.00002; gnomAD exomes 0.00002.
gnomAD v4.1: 34 of 1,613,724 alleles (0.0021%); highest among the groups gnomAD compares: Non-Finnish European, 0.0024%; no homozygotes.

Submissions (2):

PreventionGenetics, part of Exact Sciences
Classification: Likely benign for IMPG1-related condition. Last evaluated: 2026-02-26. Review status: criteria provided, single submitter. Criteria: ACMG Guidelines, 2015. Collection method: clinical testing. Allele origin: germline.
Comment: This variant is classified as likely benign based on ACMG/AMP sequence variant interpretation guidelines (Richards et al. 2015 PMID: 25741868, with internal and published modifications).

Labcorp Genetics (formerly Invitae), Labcorp
Classification: Likely benign. Last evaluated: 2025-07-27. Review status: criteria provided, single submitter. Criteria: Invitae Variant Classification Sherloc (09022015). Collection method: clinical testing. Allele origin: germline.